The following is an entry in ClinVar:

NM_000277.3(PAH):c.722G>A (p.Arg241His)

Gene: PAH (phenylalanine hydroxylase; minus strand). Cytogenetic location: 12q23.2.
Variant type: single nucleotide variant.
Coding change: c.722G>A on transcript NM_000277.3 (MANE Select); coding-DNA position 722, G replaced by A.
Protein change: p.Arg241His; replaces arginine 241 with histidine.
Molecular consequence: missense variant.
Genome position (GRCh38, 1-based): chr12:102,852,935, C>T on the plus strand (G>A on the coding strand, the complement: PAH is on the minus strand). VCF-style: chr12-102852935-C-T. GRCh37 (hg19) VCF-style: chr12-103246713-C-T.
Other names: p.R241H:CGC>CAC; NM_000277.1(PAH):c.722G>A; c.722G>A (NM_000277.2); c.722G>A, p.Arg241His (NM_001354304.2); short protein forms R241H.
Identifiers: ClinVar variation 102804 (VCV000102804.68), dbSNP rs62508730, ClinGen allele CA286507.

ClinVar aggregate classification (germline): Pathogenic. Review status: reviewed by expert panel (3 of 4 stars). 19 submissions from 19 submitters: Pathogenic (1). 18 of the submissions do not count toward it. Last evaluated 2018-08-10.

Conditions:
Inborn genetic diseases. Identifiers: MedGen C0950123, MeSH D030342.
PAH-related disorder. Also called: PAH-related condition.
Phenylketonuria (PKU). Also called: Phenylketonurias; OLIGOPHRENIA PHENYLPYRUVICA; FOLLING DISEASE; Phenylketonuria (PKU). Identifiers: Orphanet 716, MedGen C0031485, MONDO:0009861, OMIM 261600. Disease mechanism: loss of function.

Allele frequency attached by ClinVar (database versions not stated): TOPMed 0.00006; ESP Exome Variant Server 0.00008; ExAC 0.00010.

Submissions 1 to 13 of 19:

ClinGen PAH Variant Curation Expert Panel
Classification: Pathogenic for Phenylketonuria. Last evaluated: 2018-08-10. Review status: reviewed by expert panel. Criteria: ClinGen PAH ACMG Specifications v1. Collection method: curation. Allele origin: germline. Inheritance: Autosomal recessive inheritance.
Comment: PAH-specific ACMG/AMP criteria applied: PM2: Extremely low frequency in ExAC, gnomAD, 1000G, ESP (0.000077- 0.0001518); PP3: Predicted deleterious in SIFT, PolyPhen2, MutationTaster; PM5: R241C (VarID 102803) is Pathogenic in ClinVar based on 3 submitters; BH4 deficiency ruled out. Upgraded per ClinGen Metabolism WG. (PMID:8268925); PM3_Strong: R241H detected in trans with pathogenic variants (IVS10, R408W, R252W). Upgraded per ClinGen SVI Workgroup. (PMID:9429153). In summary this variant meets criteria to be classified as pathogenic for phenylketonuria in an autosomal recessive manner based on the ACMG/AMP criteria applied as specified by the PAH Expert Panel: (PM2, PP3, PM5, PP4_Moderate, PM3_Strong).

Labcorp Genetics (formerly Invitae), Labcorp
Classification: Pathogenic for Phenylketonuria. Last evaluated: 2026-01-02. Review status: criteria provided, single submitter. Criteria: Invitae Variant Classification Sherloc (09022015). Collection method: clinical testing. Allele origin: germline. Not counted in ClinVar's aggregate classification.
Comment: This sequence change replaces arginine, which is basic and polar, with histidine, which is basic and polar, at codon 241 of the PAH protein (p.Arg241His). This variant is present in population databases (rs62508730, gnomAD 0.3%). This missense change has been observed in individual(s) with hyperphenylalaninemia or phenylketonuria (PMID: 10479481, 22330942, 25894915, 26600521). ClinVar contains an entry for this variant (Variation ID: 102804). Invitae Evidence Modeling of protein sequence and biophysical properties (such as structural, functional, and spatial information, amino acid conservation, physicochemical variation, residue mobility, and thermodynamic stability) indicates that this missense variant is not expected to disrupt PAH protein function with a negative predictive value of 80%. Experimental studies have shown that this missense change affects PAH function (PMID: 10479481). This variant disrupts the p.Arg241 amino acid residue in PAH. Other variant(s) that disrupt this residue have been determined to be pathogenic (PMID: 8222245, 14681498, 16253218, 18985011, 19915519, 24368688). This suggests that this residue is clinically significant, and that variants that disrupt this residue are likely to be disease-causing. For these reasons, this variant has been classified as Pathogenic.

Natera, Inc.
Classification: Pathogenic for Phenylketonuria. Last evaluated: 2025-10-19. Review status: criteria provided, single submitter. Criteria: Natera Variant Classification Schema (03/2026). Collection method: clinical testing. Allele origin: germline. Not counted in ClinVar's aggregate classification.
Comment: The c.722G>A variant in PAH is a missense variant predicted to cause substitution of arginine to histidine at amino acid 241. This variant is rare in the general population with a frequency below the threshold expected for the associated phenotype(s). This variant has been observed in one or more individuals affected with the associated recessive disease, as either homozygous or compound heterozygous with a second variant (PMID: 25456745, 30050108). Given the available evidence, this variant is classified as Pathogenic.

CeGaT Center for Human Genetics Tuebingen
Classification: Pathogenic. Last evaluated: 2025-10-01. Review status: criteria provided, single submitter. Criteria: CeGaT Center For Human Genetics Tuebingen Variant Classification Criteria Version 2. Collection method: clinical testing. Allele origin: germline. Affected: yes. Observed: 2 variant alleles. Not counted in ClinVar's aggregate classification.
Comment: PAH: PM3:Very Strong, PM2, PM5, PP4:Moderate, PP3, PS3:Supporting

Victorian Clinical Genetics Services, Murdoch Childrens Research Institute
Classification: Pathogenic for Phenylketonuria. Last evaluated: 2025-08-08. Review status: criteria provided, single submitter. Criteria: ACMG Guidelines, 2015. Collection method: clinical testing. Allele origin: germline. Not counted in ClinVar's aggregate classification.
Comment: This variant is classified as Pathogenic. Evidence in support of pathogenic classification: Variant is present in gnomAD <0.01 for a recessive condition (v4: 152 heterozygote(s), 0 homozygote(s)) ; This variant has very strong previous evidence of pathogenicity in unrelated individuals. It has been classified as pathogenic by clinical laboratories in ClinVar and by the ClinGen PAH Variant Curation Expert Panel. Additional information: Variant is predicted to result in a missense amino acid change from arginine to histidine; This variant is heterozygous; This gene is associated with autosomal recessive disease; Alternative amino acid change(s) at the same position are present in gnomAD (Highest allele count: v4: 79 heterozygote(s), 0 homozygote(s)) ; Loss of function is a known mechanism of disease in this gene and is associated with phenylketonuria (MIM#261600); Heterozygous variant detected in trans with a second PATHOGENIC heterozygous variant (NM_000277.3(PAH):c.898G>T; p.(Ala300Ser)) in a recessive disease.

Blueprint Genetics
Classification: Pathogenic for PAH-related disorders. Last evaluated: 2024-10-21. Review status: criteria provided, single submitter. Criteria: ACMG Guidelines, 2015. Collection method: clinical testing. Allele origin: germline. Affected: yes. Observed: 5 variant alleles. Not counted in ClinVar's aggregate classification.

Laboratory of Medical Genetics, National & Kapodistrian University of Athens
Classification: Pathogenic for Phenylketonuria. Last evaluated: 2024-02-01. Review status: criteria provided, single submitter. Criteria: ACMG Guidelines, 2015. Collection method: curation. Allele origin: germline. Affected: no. Not counted in ClinVar's aggregate classification.

Ambry Genetics
Classification: Pathogenic for Inborn genetic diseases. Last evaluated: 2023-08-21. Review status: criteria provided, single submitter. Criteria: Ambry Variant Classification Scheme 2023. Collection method: clinical testing. Allele origin: germline. Not counted in ClinVar's aggregate classification.
Comment: The c.722G>A (p.R241H) alteration is located in exon 7 (coding exon 7) of the PAH gene. This alteration results from a G to A substitution at nucleotide position 722, causing the arginine (R) at amino acid position 241 to be replaced by a histidine (H). Based on data from gnomAD, the A allele has an overall frequency of 0.015% (43/282426) total alleles studied. The highest observed frequency was 0.28% (29/10354) of Ashkenazi Jewish alleles. This alteration was detected in the homozygous state and in conjunction with another alteration in PAH in multiple individuals with phenylalanine hydroxylase deficiency (Zekanowski, 1997; Lindner, 2003; Bercovich, 2008; Zhu, 2013; Su, 2019; Tresbach, 2020). Additionally, four other alterations at the same codon, c.721C>T (p.R241C), c.721C>A (p.R241S), c.722G>C (p.R241P), and c.722G>T (p.R241L), have been observed in individuals with phenylalanine hydroxylase deficiency. This amino acid position is well conserved in available vertebrate species. This alteration is predicted to be deleterious by in silico analysis. Based on the available evidence, this alteration is classified as pathogenic.

Department of Pathology and Laboratory Medicine, Sinai Health System
Classification: Pathogenic for Phenylketonuria. Last evaluated: 2023-06-28. Review status: criteria provided, single submitter. Criteria: ACMG Guidelines, 2015. Collection method: research. Allele origin: germline. Not counted in ClinVar's aggregate classification.

Revvity Omics, Revvity
Classification: Pathogenic for Phenylketonuria. Last evaluated: 2022-09-06. Review status: criteria provided, single submitter. Criteria: ACMG Guidelines, 2015. Collection method: clinical testing. Allele origin: germline. Not counted in ClinVar's aggregate classification.

Fulgent Genetics
Classification: Pathogenic for Phenylketonuria. Last evaluated: 2022-05-18. Review status: criteria provided, single submitter. Criteria: ACMG Guidelines, 2015. Collection method: clinical testing. Allele origin: unknown. Not counted in ClinVar's aggregate classification.

Mendelics
Classification: Pathogenic for Phenylketonuria. Last evaluated: 2022-05-04. Review status: criteria provided, single submitter. Criteria: Mendelics Assertion Criteria 2019. Collection method: clinical testing. Allele origin: germline. Not counted in ClinVar's aggregate classification.

GeneDx
Classification: Pathogenic. Last evaluated: 2021-01-20. Review status: criteria provided, single submitter. Criteria: GeneDx Variant Classification Process June 2021. Collection method: clinical testing. Allele origin: germline. Affected: yes. Not counted in ClinVar's aggregate classification.
Comment: Expression studies of R241H found that it is associated with approximately 25% residual PAH activity (Benit et al., 1999); In silico analysis supports that this missense variant does not alter protein structure/function; This variant is associated with the following publications: (PMID: 31445982, 8268925, 10479481, 25087612, 17935162, 25750018, 25596310, 31355225, 31053953, 30050108, 30275481, 31589614)